The following is an entry in ClinVar:

ClinVar aggregate classification (germline): Uncertain significance (1 of 4 stars; one submission).

Conditions:
Congenital primary aphakia. Also called: Anterior segment dysgenesis 2, multiple subtypes; ANTERIOR SEGMENT DYSGENESIS 2. Identifiers: Orphanet 83461, MedGen C1853230, MONDO:0012456, OMIM 610256.
Anterior segment dysgenesis. Also called: Ocular anterior segment dysgenesis. Identifiers: Orphanet 88632, MedGen C1862839, MONDO:0019503, HP:0007700.

Submission:

Labcorp Genetics (formerly Invitae), Labcorp
Classification: Uncertain significance for Anterior segment dysgenesis; Congenital primary aphakia. Last evaluated: 2024-09-04. Review status: criteria provided, single submitter. Criteria: Invitae Variant Classification Sherloc (09022015). Collection method: clinical testing. Allele origin: germline.
Comment: This sequence change replaces aspartic acid, which is acidic and polar, with glutamic acid, which is acidic and polar, at codon 148 of the FOXE3 protein (p.Asp148Glu). This variant is not present in population databases (gnomAD no frequency). This variant has not been reported in the literature in individuals affected with FOXE3-related conditions. Invitae Evidence Modeling of protein sequence and biophysical properties (such as structural, functional, and spatial information, amino acid conservation, physicochemical variation, residue mobility, and thermodynamic stability) indicates that this missense variant is expected to disrupt FOXE3 protein function with a positive predictive value of 80%. In summary, the available evidence is currently insufficient to determine the role of this variant in disease. Therefore, it has been classified as a Variant of Uncertain Significance.

NM_012186.3(FOXE3):c.444C>A (p.Asp148Glu)

Genes: FOXE3 (forkhead box E3; plus strand), LINC01389 (long independently transcribed non-coding RNA 1389; minus strand). Cytogenetic location: 1p33.
Variant type: single nucleotide variant.
Coding change: c.444C>A on transcript NM_012186.3 (MANE Select); coding-DNA position 444, C replaced by A.
Protein change: p.Asp148Glu; replaces aspartic acid 148 with glutamic acid.
Molecular consequence: missense variant.
Genome position (GRCh38, 1-based): chr1:47,416,759, C>A. VCF-style: chr1-47416759-C-A. GRCh37 (hg19) VCF-style: chr1-47882431-C-A.
Other names: short protein forms D148E.
Identifiers: ClinVar variation 3763955 (VCV003763955.2).